The following is an entry in ClinVar:

NM_001267550.2(TTN):c.89777dup (p.Ser29927fs)

Genes: TTN (titin; minus strand), TTN-AS1 (TTN antisense RNA 1; plus strand). Cytogenetic location: 2q31.2.
Variant type: Duplication.
Coding change: c.89777dup on transcript NM_001267550.2 (MANE Select); coding-DNA position 89777, one base duplicated (T; older notation c.89777dupT).
Protein change: p.Ser29927fs; shifts the reading frame from serine 29927.
Molecular consequence: frameshift variant.
Genome position (GRCh38, 1-based): chr2:178,553,123, A duplicated on the plus strand (T on the coding strand, the reverse complement: TTN is on the minus strand). VCF-style (leftmost placement, unchanged base first): chr2-178553122-C-CA. GRCh37 (hg19) VCF-style: chr2-179417849-C-CA.
Other names: c.84854dup, p.Ser28286fs (NM_001256850.1); c.62582dup, p.Ser20862fs (NM_003319.4); c.82073dup, p.Ser27359fs (NM_133378.4); c.62957dup, p.Ser20987fs (NM_133432.3); c.63158dup, p.Ser21054fs (NM_133437.4); short protein forms S20862fs, S20987fs, S21054fs, S27359fs, S28286fs, S29927fs.
Identifiers: ClinVar variation 3757660 (VCV003757660.2).

ClinVar aggregate classification (germline): Likely pathogenic (1 of 4 stars; one submission).

Conditions:
Dilated cardiomyopathy 1G (CMD1G). Identifiers: Orphanet 154, MedGen C1858763, MONDO:0011400, OMIM 604145.
Autosomal recessive limb-girdle muscular dystrophy type 2J (LGMDR10). Also called: Limb-girdle muscular dystrophy, type 2J; MUSCULAR DYSTROPHY, LIMB-GIRDLE, AUTOSOMAL RECESSIVE 10. Identifiers: Orphanet 140922, MedGen C1837342, MONDO:0012127, OMIM 608807.

Submission:

Labcorp Genetics (formerly Invitae), Labcorp
Classification: Likely pathogenic for Dilated cardiomyopathy 1G; Autosomal recessive limb-girdle muscular dystrophy type 2J. Last evaluated: 2024-08-13. Review status: criteria provided, single submitter. Criteria: Invitae Variant Classification Sherloc (09022015). Collection method: clinical testing. Allele origin: germline.
Comment: This sequence change creates a premature translational stop signal (p.Ser29927Glufs*3) in the TTN gene. While this is not anticipated to result in nonsense mediated decay, it is expected to create a truncated TTN protein. This variant is not present in population databases (gnomAD no frequency). This variant has not been reported in the literature in individuals affected with TTN-related conditions. This variant is located in the A band of TTN (PMID: 25589632). Truncating variants in this region are significantly overrepresented in patients affected with dilated cardiomyopathy (PMID: 25589632). Truncating variants in this region have also been reported in individuals affected with autosomal recessive centronuclear myopathy (PMID: 23975875). In summary, the currently available evidence indicates that the variant is pathogenic, but additional data are needed to prove that conclusively. Therefore, this variant has been classified as Likely Pathogenic.

Literature cited by the submitters: PubMed 25589632; PubMed 23975875.